The following is an entry in ClinVar:

ClinVar aggregate classification (germline): Uncertain significance (1 of 4 stars; one submission).

Conditions:
Epidermodysplasia verruciformis. Identifiers: Orphanet 302, MedGen C0014522, MONDO:0009176.

Allele frequency attached by ClinVar (database versions not stated): gnomAD 0.00001; gnomAD exomes 0.00001 and 0.00003; TOPMed 0.00002; ExAC 0.00007.
gnomAD v4.1: 12 of 1,604,784 alleles (0.00075%); highest among the groups gnomAD compares: Middle Eastern, 0.017%; no homozygotes.

Submission:

Labcorp Genetics (formerly Invitae), Labcorp
Classification: Uncertain significance for Epidermodysplasia verruciformis. Last evaluated: 2022-09-27. Review status: criteria provided, single submitter. Criteria: Invitae Variant Classification Sherloc (09022015). Collection method: clinical testing. Allele origin: germline.
Comment: This sequence change replaces arginine, which is basic and polar, with glutamine, which is neutral and polar, at codon 641 of the TMC6 protein (p.Arg641Gln). The frequency data for this variant in the population databases is considered unreliable, as metrics indicate poor data quality at this position in the gnomAD database. This variant has not been reported in the literature in individuals affected with TMC6-related conditions. ClinVar contains an entry for this variant (Variation ID: 1519119). Algorithms developed to predict the effect of missense changes on protein structure and function are either unavailable or do not agree on the potential impact of this missense change (SIFT: "Not Available"; PolyPhen-2: "Probably Damaging"; Align-GVGD: "Not Available"). In summary, the available evidence is currently insufficient to determine the role of this variant in disease. Therefore, it has been classified as a Variant of Uncertain Significance.

NM_001127198.5(TMC6):c.1922G>A (p.Arg641Gln)

Gene: TMC6 (transmembrane channel like 6; minus strand). Cytogenetic location: 17q25.3.
Variant type: single nucleotide variant.
Coding change: c.1922G>A on transcript NM_001127198.5 (MANE Select); coding-DNA position 1922, G replaced by A.
Protein change: p.Arg641Gln; replaces arginine 641 with glutamine.
Molecular consequence: missense variant. On other transcripts: non-coding transcript variant (4).
Genome position (GRCh38, 1-based): chr17:78,117,901, C>T on the plus strand (G>A on the coding strand, the complement: TMC6 is on the minus strand). VCF-style: chr17-78117901-C-T. GRCh37 (hg19) VCF-style: chr17-76113982-C-T.
Other names: c.1922G>A, p.Arg641Gln (NM_001321185.1, NM_001374596.1, NM_001375353.1 and 2 more transcripts); c.1742G>A, p.Arg581Gln (NM_001374593.1, NM_001374594.1); short protein forms R581Q, R641Q.
Identifiers: ClinVar variation 1519119 (VCV001519119.3), dbSNP rs768761476, ClinGen allele CA8795492.